The following is an entry in ClinVar:

NM_000275.3(OCA2):c.1109T>C (p.Ile370Thr)

Gene: OCA2 (OCA2 melanosomal transmembrane protein; minus strand). Cytogenetic location: 15q13.1.
Variant type: single nucleotide variant.
Coding change: c.1109T>C on transcript NM_000275.3 (MANE Select); coding-DNA position 1109, T replaced by C.
Protein change: p.Ile370Thr; replaces isoleucine 370 with threonine.
Molecular consequence: missense variant. On other transcripts: intron variant (1).
Genome position (GRCh38, 1-based): chr15:27,990,583, A>G on the plus strand (T>C on the coding strand, the complement: OCA2 is on the minus strand). VCF-style: chr15-27990583-A-G. GRCh37 (hg19) VCF-style: chr15-28235729-A-G.
Other names: c.1045-917T>C (NM_001300984.2); short protein forms I370T.
Identifiers: ClinVar variation 419971 (VCV000419971.23), dbSNP rs34731820, ClinGen allele CA7439220.

ClinVar aggregate classification (germline): Conflicting classifications of pathogenicity. Review status: criteria provided, conflicting classifications (1 of 4 stars). 6 submissions from 6 submitters: Uncertain significance (2); Benign (1); Likely benign (2). 1 of the submissions does not count toward it. Last evaluated 2026-01-28.

Conditions:
OCA2-related disorder. Also called: OCA2-related condition.
Tyrosinase-positive oculocutaneous albinism (OCA2). Also called: ALBINISM II; Albinism, oculocutaneous, type II; Oculocutaneous albinism type 2. Identifiers: Orphanet 79432, MedGen C0268495, MONDO:0008746, OMIM 203200.

Allele frequency attached by ClinVar (database versions not stated): gnomAD exomes 0.00031 and 0.00087; ExAC 0.00100; 1000 Genomes Project 0.00300; 1000 Genomes Project 30x 0.00328; gnomAD 0.00339 and 0.00369; TOPMed 0.00373.
gnomAD v4.1: 990 of 1,614,014 alleles (0.061%); highest among the groups gnomAD compares: African/African-American, 1.2%; 9 homozygotes.

Submissions (6):

Labcorp Genetics (formerly Invitae), Labcorp
Classification: Benign. Last evaluated: 2026-01-28. Review status: criteria provided, single submitter. Criteria: Invitae Variant Classification Sherloc (09022015). Collection method: clinical testing. Allele origin: germline.

Blueprint Genetics
Classification: Likely benign. Last evaluated: 2024-10-24. Review status: criteria provided, single submitter. Criteria: ACMG Guidelines, 2015. Collection method: clinical testing. Allele origin: germline.

Genome-Nilou Lab
Classification: Uncertain significance for Tyrosinase-positive oculocutaneous albinism. Last evaluated: 2021-11-07. Review status: criteria provided, single submitter. Criteria: ACMG Guidelines, 2015. Collection method: clinical testing. Allele origin: germline. Affected: no.

GeneDx
Classification: Uncertain significance. Last evaluated: 2017-01-26. Review status: criteria provided, single submitter. Criteria: GeneDx Variant Classification (06012015). Collection method: clinical testing. Allele origin: germline. Affected: yes.
Comment: The I370T variant in the OCA2 gene has been reported previously in two unrelated individuals of African descent with an unusual hypopigmentation phenotype suggestive of oculocutaneous albinism (OCA). The I370T variant was reported along with a second variant in an individual with light brown eyes and yellow-ish white colored hair. The second individual was heterozygous for the I370T variant, with no second variant identified, and had reddish-brown colored skin (Kerr et al., 2000). The I370T variant is observed in 114/10360 (1.1%) alleles from individuals of African background in the ExAC dataset, and no individuals were reported to be homozygous (Lek et al., 2016). The I370T variant is a non-conservative amino acid substitution, which is likely to impact secondary protein structure as these residues differ in polarity, charge, size and/or other properties. This substitution occurs at a position where amino acids with similar properties to Isoleucine are tolerated across species. In silico analysis predicts this variant is probably damaging to the protein structure/function. We interpret I370T as a variant of uncertain significance.

Genetic Services Laboratory, University of Chicago
Classification: Likely benign. Last evaluated: 2015-10-20. Review status: criteria provided, single submitter. Criteria: ACMG Guidelines, 2015. Collection method: clinical testing. Allele origin: germline. Affected: no.

PreventionGenetics, part of Exact Sciences
Classification: Likely benign for OCA2-related condition. Last evaluated: 2024-08-01. Review status: no assertion criteria provided. Collection method: clinical testing. Allele origin: germline. Not counted in ClinVar's aggregate classification.
Comment: This variant is classified as likely benign based on ACMG/AMP sequence variant interpretation guidelines (Richards et al. 2015 PMID: 25741868, with internal and published modifications).